The following is an entry in ClinVar:

NM_017934.7(PHIP):c.2931G>T (p.Met977Ile)

Genes: IRAK1BP1 (interleukin 1 receptor associated kinase 1 binding protein 1; plus strand), PHIP (PHIP subunit of CUL4-Ring ligase complex; minus strand). Cytogenetic location: 6q14.1.
Variant type: single nucleotide variant.
Coding change: c.2931G>T on transcript NM_017934.7 (MANE Select); coding-DNA position 2931, G replaced by T.
Protein change: p.Met977Ile; replaces methionine 977 with isoleucine.
Molecular consequence: missense variant.
Genome position (GRCh38, 1-based): chr6:78,970,847, C>A on the plus strand (G>T on the coding strand, the complement: PHIP is on the minus strand). VCF-style: chr6-78970847-C-A. GRCh37 (hg19) VCF-style: chr6-79680564-C-A.
Other names: short protein forms M977I.
Identifiers: ClinVar variation 5002403 (VCV005002403.1).
Genomic context (GRCh38, chr6:78,970,847, plus strand): 5'-CTCCATTTTATGCCATGGTTGTTTTTTGGGATTGATACTATATATTTTATTTTTCCGGGC[C>A]ATTTCGACATAGGCTTCATGTCCTTGTCGGAAATAATAAACCTAAAAAATAAAGTCATAA-3'
Protein context (NP_060404.4, residues 967-987): FRQGHEAYVE[Met977Ile]ARKNKIYSIN

ClinVar aggregate classification (germline): Uncertain significance (1 of 4 stars; one submission).

Conditions:
PHIP-related disorder. Also called: PHIP-related condition; PHIP-related disorders.

gnomAD v4.1: 1 of 1,611,070 alleles (0.000062%); highest among the groups gnomAD compares: East Asian, 0.0022%; no homozygotes.

Submission:

PreventionGenetics, part of Exact Sciences
Classification: Uncertain significance for PHIP-related condition. Last evaluated: 2024-11-07. Review status: criteria provided, single submitter. Criteria: ACMG Guidelines, 2015. Collection method: clinical testing. Allele origin: germline.
Comment: The PHIP c.2931G>T variant is predicted to result in the amino acid substitution p.Met977Ile. To our knowledge, this variant has not been reported in the literature. This variant is reported in 0.0055% of alleles in individuals of East Asian descent in gnomAD. At this time, the clinical significance of this variant is uncertain due to the absence of conclusive functional and genetic evidence.